The following is an entry in ClinVar:

ClinVar aggregate classification (germline): Uncertain significance (1 of 4 stars; one submission).

Conditions:
Progressive microcephaly-seizures-cortical blindness-developmental delay syndrome. Also called: Seizures, cortical blindness, and microcephaly syndrome. Identifiers: Orphanet 477814, MedGen C5567650, MONDO:0014714, OMIM 616632.
Autosomal dominant nonsyndromic hearing loss 1. Also called: DEAFNESS, AUTOSOMAL DOMINANT 1, WITH OR WITHOUT THROMBOCYTOPENIA; KONIGSMARK SYNDROME. Identifiers: Orphanet 90635, MedGen C1852282, MONDO:0007424, OMIM 124900.

gnomAD v4.1: 6 of 1,599,992 alleles (0.00038%); highest among the groups gnomAD compares: Admixed American, 0.0083%; no homozygotes.

Submission:

Labcorp Genetics (formerly Invitae), Labcorp
Classification: Uncertain significance for Progressive microcephaly-seizures-cortical blindness-developmental delay syndrome; Autosomal dominant nonsyndromic hearing loss 1. Last evaluated: 2024-04-24. Review status: criteria provided, single submitter. Criteria: Invitae Variant Classification Sherloc (09022015). Collection method: clinical testing. Allele origin: germline.
Comment: This sequence change replaces isoleucine, which is neutral and non-polar, with threonine, which is neutral and polar, at codon 465 of the DIAPH1 protein (p.Ile465Thr). This variant is present in population databases (rs774367321, gnomAD 0.01%). This variant has not been reported in the literature in individuals affected with DIAPH1-related conditions. Experimental studies and prediction algorithms are not available or were not evaluated, and the functional significance of this variant is currently unknown. In summary, the available evidence is currently insufficient to determine the role of this variant in disease. Therefore, it has been classified as a Variant of Uncertain Significance.

NM_005219.5(DIAPH1):c.1394T>C (p.Ile465Thr)

Gene: DIAPH1 (diaphanous related formin 1; minus strand). Cytogenetic location: 5q31.3.
Variant type: single nucleotide variant.
Coding change: c.1394T>C on transcript NM_005219.5 (MANE Select); coding-DNA position 1394, T replaced by C.
Protein change: p.Ile465Thr; replaces isoleucine 465 with threonine.
Molecular consequence: missense variant.
Genome position (GRCh38, 1-based): chr5:141,576,758, A>G on the plus strand (T>C on the coding strand, the complement: DIAPH1 is on the minus strand). VCF-style: chr5-141576758-A-G. GRCh37 (hg19) VCF-style: chr5-140956325-A-G.
Other names: c.1367T>C, p.Ile456Thr (NM_001079812.3); c.1394T>C, p.Ile465Thr (NM_001314007.2); short protein forms I456T, I465T.
Identifiers: ClinVar variation 3761777 (VCV003761777.2).
Genomic context (GRCh38, chr5:141,576,758, plus strand): 5'-ATGCAAAATGAAAGGAAGAAGCAATACTTGGAGGAGCCAGATAGAAGAGTATGCTTACCA[A>G]TTAATCCCTCAATCTCAATCTGGAGGTGCCGGCACTTGAAGTCAGGATCAGCCCCGTTCT-3'
Protein context (NP_005210.3, residues 455-475): RHLQIEIEGL[Ile465Thr]DQMIDKTKVE